The following is an entry in ClinVar:

NM_000368.5(TSC1):c.848C>T (p.Ala283Val)

Gene: TSC1 (TSC complex subunit 1; minus strand). Cytogenetic location: 9q34.13.
Variant type: single nucleotide variant.
Coding change: c.848C>T on transcript NM_000368.5 (MANE Select); coding-DNA position 848, C replaced by T.
Protein change: p.Ala283Val; replaces alanine 283 with valine.
Molecular consequence: missense variant.
Genome position (GRCh38, 1-based): chr9:132,912,347, G>A on the plus strand (C>T on the coding strand, the complement: TSC1 is on the minus strand). VCF-style: chr9-132912347-G-A. GRCh37 (hg19) VCF-style: chr9-135787734-G-A.
Other names: c.848C>T, p.Ala283Val (NM_001162426.2); c.695C>T, p.Ala232Val (NM_001162427.2); c.485C>T, p.Ala162Val (NM_001362177.2); short protein forms A283V, A162V, A232V.
Identifiers: ClinVar variation 466158 (VCV000466158.10), dbSNP rs1554817613, ClinGen allele CA375369249.
Genomic context (GRCh38, chr9:132,912,347, plus strand): 5'-CTATTCTGTGTGTCAGCATAAGGGCTGGTGGTGACATCGGCTGAACGATGAGGAAAGCGG[G>A]CTGAGATTTGGTGAGACACAGAATAGCCATCTTCATATGAGGCTTCTGTGGGATCCAGAG-3'
Protein context (NP_000359.1, residues 273-293): DGYSVSHQIS[Ala283Val]RFPHRSADVT

ClinVar aggregate classification (germline): Conflicting classifications of pathogenicity. Review status: criteria provided, conflicting classifications (1 of 4 stars). 2 submissions from 2 submitters: Uncertain significance (1); Benign (1). Last evaluated 2022-01-01.

Conditions:
Tuberous sclerosis 1 (TSC1). Identifiers: Orphanet 805, MedGen C1854465, MONDO:0008612, OMIM 191100.
Ovarian cancer. Also called: OVARIAN CANCER, SOMATIC. Identifiers: Orphanet 213500, MedGen C1140680, MONDO:0008170, OMIM 167000.

Allele frequency attached by ClinVar (database versions not stated): gnomAD exomes below 0.00001.
gnomAD v4.1: 3 of 1,614,188 alleles (0.00019%); highest among the groups gnomAD compares: Non-Finnish European, 0.00025%; no homozygotes.

Submissions (2):

Laboratory of Molecular Epidemiology of Birth Defects, West China Second University Hospital, Sichuan University
Classification: Benign for Ovarian cancer. Last evaluated: 2022-01-01. Review status: criteria provided, single submitter. Criteria: ACMG Guidelines, 2015. Collection method: clinical testing. Allele origin: germline. Affected: yes.

Labcorp Genetics (formerly Invitae), Labcorp
Classification: Uncertain significance for Tuberous sclerosis 1. Last evaluated: 2017-04-15. Review status: criteria provided, single submitter. Criteria: Invitae Variant Classification Sherloc (09022015). Collection method: clinical testing. Allele origin: germline.
Comment: In summary, this variant is a novel missense change that is not predicted to affect protein function. There is no indication that it causes disease, but the available evidence is currently insufficient to prove that conclusively. Therefore, it has been classified as a Variant of Uncertain Significance. Algorithms developed to predict the effect of missense changes on protein structure and function (SIFT, PolyPhen-2, Align-GVGD) all suggest that this variant is likely to be tolerated, but these predictions have not been confirmed by published functional studies. This variant is not present in population databases (ExAC no frequency) and has not been reported in the literature in individuals with a TSC1-related disease. This sequence change replaces alanine with valine at codon 283 of the TSC1 protein (p.Ala283Val). The alanine residue is weakly conserved and there is a small physicochemical difference between alanine and valine.